The following is an entry in ClinVar:

NM_019066.5(MAGEL2):c.1640C>T (p.Pro547Leu)

Gene: MAGEL2 (MAGE family member L2; minus strand). Cytogenetic location: 15q11.2.
Variant type: single nucleotide variant.
Coding change: c.1640C>T on transcript NM_019066.5 (MANE Select); coding-DNA position 1640, C replaced by T.
Protein change: p.Pro547Leu; replaces proline 547 with leucine.
Molecular consequence: missense variant.
Genome position (GRCh38, 1-based): chr15:23,646,103, G>A on the plus strand (C>T on the coding strand, the complement: MAGEL2 is on the minus strand). VCF-style: chr15-23646103-G-A. GRCh37 (hg19) VCF-style: chr15-23891250-G-A.
Other names: short protein forms P547L.
Identifiers: ClinVar variation 1028140 (VCV001028140.3), dbSNP rs1267794670, ClinGen allele CA391333628.
Genomic context (GRCh38, chr15:23,646,103, plus strand): 5'-GGCAGCACAGGCTGGGGCACCTGCGGGCCAGCGGGCGGCGCCGCGGGTACCTGCGTAGCA[G>A]GTGGGGCCGTAGGCACCTGCGGCGCCGCCTGCACCTGCGGGGCCGGCAGCCTAGCCTGCG-3'
Protein context (NP_061939.3, residues 537-557): QAAPQVPTAP[Pro547Leu]ATQVPAAPPA

ClinVar aggregate classification (germline): Uncertain significance. Review status: criteria provided, multiple submitters, no conflicts (2 of 4 stars). 3 submissions from 3 submitters: Uncertain significance (3). Last evaluated 2024-05-06.

Conditions:
Schaaf-Yang syndrome (SHFYNG). Also called: Arthrogryposis, distal, with hypopituitarism, intellectual disability, and facial anomalies; MAGEL2-related Prader-Willi-like syndrome. Identifiers: Orphanet 398069, MedGen C5575066, MONDO:0014243, OMIM 615547.
Inborn genetic diseases. Identifiers: MedGen C0950123, MeSH D030342.
Prader-Willi syndrome (PWS). Identifiers: Orphanet 739, MedGen C0032897, MONDO:0008300, OMIM 176270. Disease mechanism: loss of function, Microdeletion. Inheritance: Microdletion.

Allele frequency attached by ClinVar (database versions not stated): gnomAD 0.00001 and 0.00002; gnomAD exomes 0.00001; TOPMed 0.00002.
gnomAD v4.1: 15 of 1,418,518 alleles (0.0011%); highest among the groups gnomAD compares: Non-Finnish European, 0.0013%; no homozygotes.

Submissions (3):

Ambry Genetics
Classification: Uncertain significance for Inborn genetic diseases. Last evaluated: 2024-05-06. Review status: criteria provided, single submitter. Criteria: Ambry Variant Classification Scheme 2023. Collection method: clinical testing. Allele origin: germline.

Fulgent Genetics
Classification: Uncertain significance for Prader-Willi syndrome; Schaaf-Yang syndrome. Last evaluated: 2022-04-04. Review status: criteria provided, single submitter. Criteria: ACMG Guidelines, 2015. Collection method: clinical testing. Allele origin: unknown.

Baylor Genetics
Classification: Uncertain significance for Schaaf-Yang syndrome. Last evaluated: 2019-09-25. Review status: criteria provided, single submitter. Criteria: ACMG Guidelines, 2015. Collection method: clinical testing. Allele origin: unknown. Affected: yes.
Comment: This variant was determined to be of uncertain significance according to ACMG Guidelines, 2015 [PMID:25741868].